The following is an entry in ClinVar:

ClinVar aggregate classification (germline): Uncertain significance (1 of 4 stars; one submission).

gnomAD v4.1: 63 of 1,573,374 alleles (0.004%); highest among the groups gnomAD compares: Middle Eastern, 0.017%; no homozygotes.

Submission:

Labcorp Genetics (formerly Invitae), Labcorp
Classification: Uncertain significance. Last evaluated: 2026-01-22. Review status: criteria provided, single submitter. Criteria: Invitae Variant Classification Sherloc (09022015). Collection method: clinical testing. Allele origin: germline.
Comment: This sequence change replaces arginine, which is basic and polar, with histidine, which is basic and polar, at codon 269 of the LRRC56 protein (p.Arg269His). This variant is present in population databases (no rsID available, gnomAD 0.003%). This variant has not been reported in the literature in individuals affected with LRRC56-related conditions. Invitae Evidence Modeling of protein sequence and biophysical properties (such as structural, functional, and spatial information, amino acid conservation, physicochemical variation, residue mobility, and thermodynamic stability) indicates that this missense variant is not expected to disrupt LRRC56 protein function with a negative predictive value of 80%. In summary, the available evidence is currently insufficient to determine the role of this variant in disease. Therefore, it has been classified as a Variant of Uncertain Significance.

NM_198075.4(LRRC56):c.806G>A (p.Arg269His)

Gene: LRRC56 (leucine rich repeat containing 56; plus strand). Cytogenetic location: 11p15.5.
Variant type: single nucleotide variant.
Coding change: c.806G>A on transcript NM_198075.4 (MANE Select); coding-DNA position 806, G replaced by A.
Protein change: p.Arg269His; replaces arginine 269 with histidine.
Molecular consequence: missense variant. On other transcripts: intron variant (2).
Genome position (GRCh38, 1-based): chr11:551,660, G>A. VCF-style: chr11-551660-G-A. GRCh37 (hg19) VCF-style: chr11-551660-G-A.
Other names: c.806G>A, p.Arg269His (NM_001441283.1, NM_001441284.1); c.797-243G>A (NM_001441286.1, NM_001441285.1); short protein forms R269H.
Identifiers: ClinVar variation 4776694 (VCV004776694.1).